The following is an entry in ClinVar:

NM_001080517.3(SETD5):c.3084A>G (p.Arg1028=)

Gene: SETD5 (SET domain containing 5; plus strand). Cytogenetic location: 3p25.3.
Variant type: single nucleotide variant.
Coding change: c.3084A>G on transcript NM_001080517.3 (MANE Select); coding-DNA position 3084, A replaced by G.
Protein change: p.Arg1028=; no amino-acid change (arginine 1028 retained).
Molecular consequence: synonymous variant.
Genome position (GRCh38, 1-based): chr3:9,470,818, A>G. VCF-style: chr3-9470818-A-G. GRCh37 (hg19) VCF-style: chr3-9512502-A-G.
Other names: c.2790A>G, p.Arg930= (NM_001292043.2, NM_001349451.2).
Identifiers: ClinVar variation 2163378 (VCV002163378.12), dbSNP rs1446916896, ClinGen allele CA432528684.

ClinVar aggregate classification (germline): Likely benign. Review status: criteria provided, multiple submitters, no conflicts (2 of 4 stars). 2 submissions from 2 submitters: Likely benign (2). Last evaluated 2025-08-01.

Allele frequency attached by ClinVar (database versions not stated): TOPMed 0.00002; gnomAD 0.00003.
gnomAD v4.1: 22 of 1,613,394 alleles (0.0014%); highest among the groups gnomAD compares: Non-Finnish European, 0.0019%; no homozygotes.

Submissions (2):

CeGaT Center for Human Genetics Tuebingen
Classification: Likely benign. Last evaluated: 2025-08-01. Review status: criteria provided, single submitter. Criteria: CeGaT Center For Human Genetics Tuebingen Variant Classification Criteria Version 2. Collection method: clinical testing. Allele origin: germline. Affected: yes. Observed: 1 variant allele.
Comment: SETD5: BP4

Labcorp Genetics (formerly Invitae), Labcorp
Classification: Likely benign. Last evaluated: 2023-05-02. Review status: criteria provided, single submitter. Criteria: Invitae Variant Classification Sherloc (09022015). Collection method: clinical testing. Allele origin: germline.